The following is an entry in ClinVar:

ClinVar aggregate classification (germline): Pathogenic (1 of 4 stars; one submission).

Conditions:
Primary ciliary dyskinesia. Also called: Ciliary dyskinesia. Identifiers: Orphanet 244, MedGen C0008780, MONDO:0016575, HP:0012265.

Submission:

Labcorp Genetics (formerly Invitae), Labcorp
Classification: Pathogenic for Primary ciliary dyskinesia. Last evaluated: 2021-11-04. Review status: criteria provided, single submitter. Criteria: Invitae Variant Classification Sherloc (09022015). Collection method: clinical testing. Allele origin: germline.
Comment: This sequence change creates a premature translational stop signal (p.Ser2510Alafs*62) in the DNAH5 gene. It is expected to result in an absent or disrupted protein product. Loss-of-function variants in DNAH5 are known to be pathogenic (PMID: 11788826, 16627867). This variant is not present in population databases (gnomAD no frequency). This variant has not been reported in the literature in individuals affected with DNAH5-related conditions. For these reasons, this variant has been classified as Pathogenic.

Literature cited by the submitters: PubMed 11788826; PubMed 16627867.

NM_001369.3(DNAH5):c.7526_7527dup (p.Ser2510fs)

Gene: DNAH5 (dynein axonemal heavy chain 5; minus strand). Cytogenetic location: 5p15.2.
Variant type: Microsatellite.
Coding change: c.7526_7527dup on transcript NM_001369.3 (MANE Select); coding-DNA positions 7526 to 7527, 2 bases duplicated (GC; older notation c.7526_7527dupGC).
Protein change: p.Ser2510fs; shifts the reading frame from serine 2510.
Molecular consequence: frameshift variant.
Genome position (GRCh38, 1-based): chr5:13,810,141-13,810,142, GC duplicated on the plus strand (GC on the coding strand, the reverse complement: DNAH5 is on the minus strand); duplicating any 2 consecutive bases within chr5:13,810,141-13,810,144 gives the same sequence; the c. name uses the placement nearest the transcript's 3' end. VCF-style (leftmost placement, unchanged base first): chr5-13810140-A-AGC. GRCh37 (hg19) VCF-style: chr5-13810249-A-AGC.
Other names: short protein forms S2510fs.
Identifiers: ClinVar variation 1072370 (VCV001072370.7), dbSNP rs2127014143, ClinGen allele CA2580613520.
Genomic context (GRCh38, chr5:13,810,140, plus strand): 5'-CGAAGGCGGTGTCCCCGGGCCCCGCTGGCGGCGGCAGCTCCAGCGTCCCTGTGGGCCGAG[A>AGC]GCGCAGCCAGAGCTCCAGGCGGCGCCGTCCGTCCAGCTCCAGCGCCGCCCCCGCGCTCCA-3'